The following is an entry in ClinVar:

ClinVar aggregate classification (germline): Uncertain significance (1 of 4 stars; one submission).

Conditions:
Intellectual developmental disorder, autosomal dominant 1. Also called: Intellectual disability, autosomal dominant 1; MBD5 Haploinsufficiency. Identifiers: Orphanet 228402, MedGen C1969562, MONDO:0007974, OMIM 156200.

Allele frequency attached by ClinVar (database versions not stated): gnomAD exomes below 0.00001.
gnomAD v4.1: 1 of 1,613,894 alleles (0.000062%); highest among the groups gnomAD compares: Non-Finnish European, 0.000085%; no homozygotes.

Submission:

Labcorp Genetics (formerly Invitae), Labcorp
Classification: Uncertain significance for Intellectual developmental disorder, autosomal dominant 1. Last evaluated: 2023-05-15. Review status: criteria provided, single submitter. Criteria: Invitae Variant Classification Sherloc (09022015). Collection method: clinical testing. Allele origin: germline.
Comment: In summary, the available evidence is currently insufficient to determine the role of this variant in disease. Therefore, it has been classified as a Variant of Uncertain Significance. Experimental studies and prediction algorithms are not available or were not evaluated, and the functional significance of this variant is currently unknown. ClinVar contains an entry for this variant (Variation ID: 1433219). This variant has not been reported in the literature in individuals affected with MBD5-related conditions. This variant is not present in population databases (gnomAD no frequency). This sequence change replaces proline, which is neutral and non-polar, with leucine, which is neutral and non-polar, at codon 1487 of the MBD5 protein (p.Pro1487Leu).

NM_001378120.1(MBD5):c.5159C>T (p.Pro1720Leu)

Gene: MBD5 (methyl-CpG binding domain protein 5; plus strand). Cytogenetic location: 2q23.1.
Variant type: single nucleotide variant.
Coding change: c.5159C>T on transcript NM_001378120.1 (MANE Select); coding-DNA position 5159, C replaced by T.
Protein change: p.Pro1720Leu; replaces proline 1720 with leucine.
Molecular consequence: missense variant.
Genome position (GRCh38, 1-based): chr2:148,512,916, C>T. VCF-style: chr2-148512916-C-T. GRCh37 (hg19) VCF-style: chr2-149270485-C-T.
Other names: c.4460C>T, p.Pro1487Leu (NM_018328.5); short protein forms P1487L, P1720L.
Identifiers: ClinVar variation 1433219 (VCV001433219.8), dbSNP rs2105295194, ClinGen allele CA348859432.
Genomic context (GRCh38, chr2:148,512,916, plus strand): 5'-CTTTTTATTTCCAGGTACACCAAATCCCACAGGGTGACAGACAAATGAGACCCCCCAAAC[C>T]CAAGAGGAGGAAGATCTCCAGATAACAGAGACTACTCCACTAATGCGCAGTGTTTATTAA-3'
Protein context (NP_001365049.1, residues 1710-1727): QGDRQMRPPK[Pro1720Leu]KRRKISR